The following is an entry in ClinVar:

ClinVar aggregate classification (germline): Pathogenic/Likely pathogenic. Review status: criteria provided, multiple submitters, no conflicts (2 of 4 stars). 2 submissions from 2 submitters: Pathogenic (1); Likely pathogenic (1). Last evaluated 2026-03-13.

Conditions:
Hereditary cancer-predisposing syndrome. Also called: Tumor predisposition; Neoplastic Syndromes, Hereditary; Hereditary Cancer Syndrome; Hereditary neoplastic syndrome. Identifiers: Orphanet 140162, MedGen C0027672, MeSH D009386, MONDO:0015356.
Familial adenomatous polyposis 2. Also called: MYH-associated polyposis; Adenomas, multiple colorectal; COLORECTAL ADENOMATOUS POLYPOSIS, AUTOSOMAL RECESSIVE; ADENOMAS, MULTIPLE COLORECTAL, AUTOSOMAL RECESSIVE; FAP type 2; MUTYH Polyposis. Identifiers: Orphanet 220460, Orphanet 247798, MedGen C3272841, MONDO:0012041, OMIM 608456.

Submissions (2):

Ambry Genetics
Classification: Pathogenic for Hereditary cancer-predisposing syndrome. Last evaluated: 2026-03-13. Review status: criteria provided, single submitter. Criteria: Ambry Variant Classification Scheme 2023. Collection method: clinical testing. Allele origin: germline.
Comment: The c.1406_1407delTA pathogenic mutation, located in coding exon 14 of the MUTYH gene, results from a deletion of two nucleotides at nucleotide positions 1406 to 1407, causing a translational frameshift with a predicted alternate stop codon (p.V469Afs*62).This variant occurs at the 3' terminus of the gene, is not expected to trigger nonsense-mediated mRNA decay, and impacts the last 14% of the protein. However, premature stop codons are typically deleterious in nature and the impacted region is critical for protein function and a significant portion of the protein is affected (Ambry internal data). This variant is considered to be rare based on population cohorts in the Genome Aggregation Database (gnomAD). Based on the available evidence, the clinical significance of this variant remains unclear.

Labcorp Genetics (formerly Invitae), Labcorp
Classification: Likely pathogenic for Familial adenomatous polyposis 2. Last evaluated: 2023-06-07. Review status: criteria provided, single submitter. Criteria: Invitae Variant Classification Sherloc (09022015). Collection method: clinical testing. Allele origin: germline.
Comment: This variant disrupts the conserved PCNA binding motif of the MUTYH protein, which has been shown to be critical for MUTYH-PCNA binding and repair efficiency (PMID: 11092888, 26377631, 11433026, 11864576). While functional studies have not been performed to directly test the effect of this variant on MUTYH protein function, this suggests that disruption of this region of the protein is causative of disease. This variant is also known as Gln512-Phe519. ClinVar contains an entry for this variant (Variation ID: 1494850). This sequence change creates a premature translational stop signal (p.Val469Alafs*62) in the MUTYH gene. While this is not anticipated to result in nonsense mediated decay, it is expected to disrupt the last 81 amino acid(s) of the MUTYH protein. This variant is not present in population databases (gnomAD no frequency). This variant has not been reported in the literature in individuals affected with MUTYH-related conditions. In summary, the currently available evidence indicates that the variant is pathogenic, but additional data are needed to prove that conclusively. Therefore, this variant has been classified as Likely Pathogenic.

Literature cited by the submitters: PubMed 11092888 (cited by Labcorp Genetics (formerly Invitae), Labcorp); PubMed 26377631 (cited by Labcorp Genetics (formerly Invitae), Labcorp); PubMed 11433026 (cited by Labcorp Genetics (formerly Invitae), Labcorp); PubMed 11864576 (cited by Labcorp Genetics (formerly Invitae), Labcorp).

NM_001048174.2(MUTYH):c.1322_1323del (p.Val441fs)

Gene: MUTYH (mutY DNA glycosylase; minus strand). Cytogenetic location: 1p34.1.
Variant type: Deletion.
Coding change: c.1322_1323del on transcript NM_001048174.2 (MANE Select); coding-DNA positions 1322 to 1323, 2 bases deleted (TA; older notation c.1322_1323delTA).
Protein change: p.Val441fs; shifts the reading frame from valine 441.
Molecular consequence: frameshift variant. On other transcripts: non-coding transcript variant (2).
Genome position (GRCh38, 1-based): chr1:45,331,251-45,331,252, TA deleted on the plus strand (TA on the coding strand, the reverse complement: MUTYH is on the minus strand). VCF-style (leftmost placement, unchanged base first): chr1-45331250-GTA-G. GRCh37 (hg19) VCF-style: chr1-45796922-GTA-G.
Other names: c.1322_1323del, p.Val441fs (NM_001048171.2, NM_001048173.2, NM_001293195.2); c.1325_1326del, p.Val442fs (NM_001048172.2); c.1406_1407del, p.Val469fs (NM_001128425.2); c.1367_1368del, p.Val456fs (NM_001293190.2); c.1355_1356del, p.Val452fs (NM_001293191.2); c.1046_1047del, p.Val349fs (NM_001293192.2, NM_001293196.2); c.977_978del, p.Val326fs (NM_001350650.2, NM_001350651.2); c.1397_1398del, p.Val466fs (NM_012222.3); and 1 more; short protein forms V326fs, V349fs, V456fs, V469fs, V441fs, V452fs, V466fs, V442fs.
Identifiers: ClinVar variation 1494850 (VCV001494850.9), dbSNP rs2149112658, ClinGen allele CA2573132016.
Genomic context (GRCh38, chr1:45,331,250, plus strand): 5'-TGGCGGTGGAAACAGCTGCGGTGTGAAATTCCTCCTGCGTCAGCCAGCGAGCACCTGGTG[GTA>G]CGGTGGTCACTGGGGTCTGCCCTTCCAAGGCCAGCCCATATACTTGATATGTCAGCTTGA-3'